The following is an entry in ClinVar:

NM_052845.4(MMAB):c.430A>G (p.Thr144Ala)

Gene: MMAB (metabolism of cobalamin associated B; minus strand). Cytogenetic location: 12q24.11.
Variant type: single nucleotide variant.
Coding change: c.430A>G on transcript NM_052845.4 (MANE Select); coding-DNA position 430, A replaced by G.
Protein change: p.Thr144Ala; replaces threonine 144 with alanine.
Molecular consequence: missense variant. On other transcripts: non-coding transcript variant (1).
Genome position (GRCh38, 1-based): chr12:109,561,509, T>C on the plus strand (A>G on the coding strand, the complement: MMAB is on the minus strand). VCF-style: chr12-109561509-T-C. GRCh37 (hg19) VCF-style: chr12-109999314-T-C.
Other names: short protein forms T144A.
Identifiers: ClinVar variation 2186378 (VCV002186378.2), dbSNP rs561864335, ClinGen allele CA243448346.

ClinVar aggregate classification (germline): Uncertain significance (1 of 4 stars; one submission).

Conditions:
Methylmalonic aciduria, cblB type (MACB). Also called: Methylmalonic acidemia cblB type; Vitamin B12-responsive methylmalonic acidemia type cblB; METHYLMALONIC ACIDURIA, VITAMIN B12-RESPONSIVE, DUE TO DEFECT IN SYNTHESIS OF ADENOSYLCOBALAMIN, cblB TYPE. Identifiers: Orphanet 28, Orphanet 79311, MedGen C1855102, MONDO:0009614, OMIM 251110.

Allele frequency attached by ClinVar (database versions not stated): gnomAD 0.00001; TOPMed 0.00002; gnomAD exomes 0.00003; 1000 Genomes Project 30x 0.00016; 1000 Genomes Project 0.00020.
gnomAD v4.1: 49 of 1,548,802 alleles (0.0032%); highest among the groups gnomAD compares: Non-Finnish European, 0.004%; no homozygotes.

Submission:

Labcorp Genetics (formerly Invitae), Labcorp
Classification: Uncertain significance for Methylmalonic aciduria, cblB type. Last evaluated: 2023-10-03. Review status: criteria provided, single submitter. Criteria: Invitae Variant Classification Sherloc (09022015). Collection method: clinical testing. Allele origin: germline.
Comment: This sequence change replaces threonine, which is neutral and polar, with alanine, which is neutral and non-polar, at codon 144 of the MMAB protein (p.Thr144Ala). This variant is present in population databases (rs561864335, gnomAD 0.007%). This variant has not been reported in the literature in individuals affected with MMAB-related conditions. ClinVar contains an entry for this variant (Variation ID: 2186378). Advanced modeling of protein sequence and biophysical properties (such as structural, functional, and spatial information, amino acid conservation, physicochemical variation, residue mobility, and thermodynamic stability) performed at Invitae indicates that this missense variant is not expected to disrupt MMAB protein function. In summary, the available evidence is currently insufficient to determine the role of this variant in disease. Therefore, it has been classified as a Variant of Uncertain Significance.